The following is an entry in ClinVar:

NM_001104631.2(PDE4D):c.1553-1_1555dup

Gene: PDE4D (phosphodiesterase 4D; minus strand). Cytogenetic location: 5q11.2.
Variant type: Duplication.
Coding change: c.1553-1_1555dup on transcript NM_001104631.2 (MANE Select); the canonical splice acceptor site of the intron before coding-DNA position 1553 through coding-DNA position 1555, 4 bases duplicated (GACT; older notation c.1553-1_1555dupGACT).
Molecular consequence: splice acceptor variant.
Genome position (GRCh38, 1-based): chr5:58,977,343-58,977,346, AGTC duplicated on the plus strand (GACT on the coding strand, the reverse complement: PDE4D is on the minus strand). VCF-style (leftmost placement, unchanged base first): chr5-58977342-G-GAGTC. GRCh37 (hg19) VCF-style: chr5-58273169-G-GAGTC.
Other names: c.1370-1_1372dup (NM_001364599.1, NM_001165899.2); c.785-1_787dup (NM_001349243.2, NM_001364604.1); c.1340-1_1342dup (NM_001349241.2); c.1361-1_1363dup (NM_001197218.2); c.647-1_649dup (NM_001364603.1, NM_001197221.2); c.1145-1_1147dup (NM_006203.5); c.1223-1_1225dup (NM_001349242.2); c.1187-1_1189dup (NM_001197219.2); and 3 more.
Identifiers: ClinVar variation 2231525 (VCV002231525.3), dbSNP rs2479179510, ClinGen allele CA2579792043.

ClinVar aggregate classification (germline): Uncertain significance. Review status: criteria provided, multiple submitters, no conflicts (2 of 4 stars). 2 submissions from 2 submitters: Uncertain significance (2). Last evaluated 2023-04-14.

Conditions:
Inborn genetic diseases. Identifiers: MedGen C0950123, MeSH D030342.

Allele frequency attached by ClinVar (database versions not stated): gnomAD exomes below 0.00001.

Submissions (2):

GeneDx
Classification: Uncertain significance. Last evaluated: 2023-04-14. Review status: criteria provided, single submitter. Criteria: GeneDx Variant Classification Process June 2021. Collection method: clinical testing. Allele origin: germline. Affected: yes.
Comment: Nonsense variant predicted to result in protein truncation or nonsense mediated decay in a gene for which loss-of-function is not a known mechanism of disease; Not observed at significant frequency in large population cohorts (gnomAD); Has not been previously published as pathogenic or benign to our knowledge

Ambry Genetics
Classification: Uncertain significance for Inborn genetic diseases. Last evaluated: 2021-07-08. Review status: criteria provided, single submitter. Criteria: Ambry Variant Classification Scheme 2023. Collection method: clinical testing. Allele origin: germline.
Comment: The c.1553-1_1555dupGACT alteration is located in between Intron 11 (E) and Exon 12 of the PDE4D gene. This alteration consists of a duplication of 4 nucleotides between nucleotide positions c.1553-1 and c.1555-1 within between Intron 11 (E) and Exon 12. Based on insufficient or conflicting evidence, the clinical significance of this alteration remains unclear.